The following is an entry in ClinVar:

NM_001253852.3(AP4B1):c.1178G>A (p.Arg393Gln)

Genes: AP4B1 (adaptor related protein complex 4 subunit beta 1; minus strand), AP4B1-AS1 (AP4B1 antisense RNA 1; plus strand). Cytogenetic location: 1p13.2.
Variant type: single nucleotide variant.
Coding change: c.1178G>A on transcript NM_001253852.3 (MANE Select); coding-DNA position 1178, G replaced by A.
Protein change: p.Arg393Gln; replaces arginine 393 with glutamine.
Molecular consequence: missense variant.
Genome position (GRCh38, 1-based): chr1:113,898,738, C>T on the plus strand (G>A on the coding strand, the complement: AP4B1 is on the minus strand). VCF-style: chr1-113898738-C-T. GRCh37 (hg19) VCF-style: chr1-114441360-C-T.
Other names: c.881G>A, p.Arg294Gln (NM_001253853.3); c.674G>A, p.Arg225Gln (NM_001308312.2); c.1178G>A, p.Arg393Gln (NM_006594.5); short protein forms R393Q, R294Q, R225Q.
Identifiers: ClinVar variation 472193 (VCV000472193.11), dbSNP rs753638648, ClinGen allele CA1015884.

ClinVar aggregate classification (germline): Uncertain significance. Review status: criteria provided, multiple submitters, no conflicts (2 of 4 stars). 4 submissions from 4 submitters: Uncertain significance (3). 1 of the submissions does not count toward it. Last evaluated 2026-01-26.

Conditions:
Inborn genetic diseases. Identifiers: MedGen C0950123, MeSH D030342.
Hereditary spastic paraplegia 47. Also called: CEREBRAL PALSY, SPASTIC QUADRIPLEGIC, 5; Spastic paraplegia 47, autosomal recessive; adaptor protein 4 (AP-4) deficiency syndrome. Identifiers: Orphanet 280763, MedGen C3279738, MONDO:0013551, OMIM 614066.
Intellectual disability. Also called: Intellectual functioning disability; Intellectual developmental disorder; intellectual disabilities. Identifiers: MedGen C3714756, MeSH D008607, MONDO:0001071, HP:0001249.

Allele frequency attached by ClinVar (database versions not stated): ExAC 0.00001; gnomAD 0.00004 and 0.00003; TOPMed 0.00006; gnomAD exomes 0.00002 and 0.00005.
gnomAD v4.1: 80 of 1,609,534 alleles (0.005%); highest among the groups gnomAD compares: Admixed American, 0.033%; no homozygotes.

Submissions (4):

Labcorp Genetics (formerly Invitae), Labcorp
Classification: Uncertain significance for Hereditary spastic paraplegia 47. Last evaluated: 2026-01-26. Review status: criteria provided, single submitter. Criteria: Invitae Variant Classification Sherloc (09022015). Collection method: clinical testing. Allele origin: germline.
Comment: This sequence change replaces arginine, which is basic and polar, with glutamine, which is neutral and polar, at codon 393 of the AP4B1 protein (p.Arg393Gln). The frequency data for this variant in the population databases is considered unreliable, as metrics indicate poor data quality at this position in the gnomAD database. This variant has not been reported in the literature in individuals affected with AP4B1-related conditions. ClinVar contains an entry for this variant (Variation ID: 472193). Invitae Evidence Modeling of protein sequence and biophysical properties (such as structural, functional, and spatial information, amino acid conservation, physicochemical variation, residue mobility, and thermodynamic stability) indicates that this missense variant is not expected to disrupt AP4B1 protein function with a negative predictive value of 80%. In summary, the available evidence is currently insufficient to determine the role of this variant in disease. Therefore, it has been classified as a Variant of Uncertain Significance.

Genome-Nilou Lab
Classification: Uncertain significance for Hereditary spastic paraplegia 47. Last evaluated: 2023-04-11. Review status: criteria provided, single submitter. Criteria: ACMG Guidelines, 2015. Collection method: clinical testing. Allele origin: germline. Affected: no.

Ambry Genetics
Classification: Uncertain significance for Inborn genetic diseases. Last evaluated: 2021-09-17. Review status: criteria provided, single submitter. Criteria: Ambry Variant Classification Scheme 2023. Collection method: clinical testing. Allele origin: germline.

Centre de Biologie Pathologie Génétique, Centre Hospitalier Universitaire de Lille
Classification: Likely benign for Intellectual disability. Last evaluated: 2019-01-01. Review status: no assertion criteria provided. Collection method: clinical testing. Allele origin: inherited. Affected: yes. Not counted in ClinVar's aggregate classification.